The following is an entry in ClinVar:

ClinVar aggregate classification (germline): Uncertain significance (1 of 4 stars; one submission).

Allele frequency attached by ClinVar (database versions not stated): gnomAD exomes below 0.00001.
gnomAD v4.1: 1 of 1,614,200 alleles (0.000062%); highest among the groups gnomAD compares: Admixed American, 0.0017%; no homozygotes.

Submission:

Labcorp Genetics (formerly Invitae), Labcorp
Classification: Uncertain significance. Last evaluated: 2025-01-27. Review status: criteria provided, single submitter. Criteria: Invitae Variant Classification Sherloc (09022015). Collection method: clinical testing. Allele origin: germline.
Comment: This sequence change replaces phenylalanine, which is neutral and non-polar, with serine, which is neutral and polar, at codon 275 of the SLC1A4 protein (p.Phe275Ser). This variant is not present in population databases (gnomAD no frequency). This variant has not been reported in the literature in individuals affected with SLC1A4-related conditions. ClinVar contains an entry for this variant (Variation ID: 1379943). Invitae Evidence Modeling of protein sequence and biophysical properties (such as structural, functional, and spatial information, amino acid conservation, physicochemical variation, residue mobility, and thermodynamic stability) indicates that this missense variant is not expected to disrupt SLC1A4 protein function with a negative predictive value of 80%. In summary, the available evidence is currently insufficient to determine the role of this variant in disease. Therefore, it has been classified as a Variant of Uncertain Significance.

NM_003038.5(SLC1A4):c.824T>C (p.Phe275Ser)

Gene: SLC1A4 (solute carrier family 1 member 4; plus strand). Cytogenetic location: 2p14.
Variant type: single nucleotide variant.
Coding change: c.824T>C on transcript NM_003038.5 (MANE Select); coding-DNA position 824, T replaced by C.
Protein change: p.Phe275Ser; replaces phenylalanine 275 with serine.
Molecular consequence: missense variant. On other transcripts: intron variant (1).
Genome position (GRCh38, 1-based): chr2:65,016,463, T>C. VCF-style: chr2-65016463-T-C. GRCh37 (hg19) VCF-style: chr2-65243597-T-C.
Other names: c.164T>C, p.Phe55Ser (NM_001348406.2, NM_001348407.2); c.141-1608T>C (NM_001193493.2); short protein forms F275S, F55S.
Identifiers: ClinVar variation 1379943 (VCV001379943.6), dbSNP rs2103675330, ClinGen allele CA347008415.